The following is an entry in ClinVar:

NM_001005373.4(LRSAM1):c.1347+3G>T

Gene: LRSAM1 (leucine rich repeat and sterile alpha motif containing 1; plus strand). Cytogenetic location: 9q33.3.
Variant type: single nucleotide variant.
Coding change: c.1347+3G>T on transcript NM_001005373.4 (MANE Select); 3 bases into the intron after coding-DNA position 1347, G replaced by T.
Molecular consequence: intron variant.
Genome position (GRCh38, 1-based): chr9:127,487,766, G>T. VCF-style: chr9-127487766-G-T. GRCh37 (hg19) VCF-style: chr9-130250045-G-T.
Other names: c.1347+3G>T (NM_138361.5, NM_001384142.1, NM_001384143.1 and 3 more transcripts); c.558+3G>T (NM_001384144.1).
Identifiers: ClinVar variation 861444 (VCV000861444.9), dbSNP rs375937623, ClinGen allele CA5246934.
Genomic context (GRCh38, chr9:127,487,766, plus strand): 5'-GATTCTGTCGTGGCAGCAAATGGATCAGAACAAAGCCATCAGCCAGATCCTGCAGGAGGT[G>T]AGCCCTCGCCCAGAGCCTGAGGGTGGGAGCTCAGGAGGGAGGTTCAGGAGCCAGGGCAGA-3'

ClinVar aggregate classification (germline): Uncertain significance. Review status: criteria provided, multiple submitters, no conflicts (2 of 4 stars). 2 submissions from 2 submitters: Uncertain significance (2). Last evaluated 2022-09-23.

Conditions:
Inborn genetic diseases. Identifiers: MedGen C0950123, MeSH D030342.
Charcot-Marie-Tooth disease axonal type 2P. Also called: CHARCOT-MARIE-TOOTH NEUROPATHY, TYPE 2P; Charcot-Marie-Tooth Neuropathy Type 2G; CHARCOT-MARIE-TOOTH DISEASE, AXONAL, TYPE 2G; CMT 2G. Identifiers: Orphanet 300319, Orphanet 99941, MedGen C3280797, MONDO:0013753, OMIM 614436.

Allele frequency attached by ClinVar (database versions not stated): gnomAD 0.00001; ExAC 0.00002; gnomAD exomes 0.00002; ESP Exome Variant Server 0.00008.
gnomAD v4.1: 9 of 1,611,406 alleles (0.00056%); highest among the groups gnomAD compares: Non-Finnish European, 0.00076%; no homozygotes.

Submissions (2):

Labcorp Genetics (formerly Invitae), Labcorp
Classification: Uncertain significance for Charcot-Marie-Tooth disease axonal type 2P. Last evaluated: 2022-09-23. Review status: criteria provided, single submitter. Criteria: Invitae Variant Classification Sherloc (09022015). Collection method: clinical testing. Allele origin: germline.
Comment: ClinVar contains an entry for this variant (Variation ID: 861444). This variant has not been reported in the literature in individuals affected with LRSAM1-related conditions. This variant is present in population databases (rs375937623, gnomAD 0.005%). This sequence change falls in intron 17 of the LRSAM1 gene. It does not directly change the encoded amino acid sequence of the LRSAM1 protein. It affects a nucleotide within the consensus splice site. Variants that disrupt the consensus splice site are a relatively common cause of aberrant splicing (PMID: 17576681, 9536098). Algorithms developed to predict the effect of sequence changes on RNA splicing suggest that this variant is not likely to affect RNA splicing. In summary, the available evidence is currently insufficient to determine the role of this variant in disease. Therefore, it has been classified as a Variant of Uncertain Significance.

Ambry Genetics
Classification: Uncertain significance for Inborn genetic diseases. Last evaluated: 2019-11-01. Review status: criteria provided, single submitter. Criteria: Ambry Variant Classification Scheme 2023. Collection method: clinical testing. Allele origin: germline.
Comment: The c.1347+3G>T intronic variant results from a G to T substitution 3 nucleotides after coding exon 16 in the LRSAM1 gene. This nucleotide position is well conserved in available vertebrate species. Using the BDGP and ESEfinder splice site prediction tools, this alteration is predicted to weaken the efficiency of the native splice donor site; however, direct evidence is unavailable. Since supporting evidence is limited at this time, the clinical significance of this alteration remains unclear.

Literature cited by the submitters: PubMed 17576681 (cited by Labcorp Genetics (formerly Invitae), Labcorp); PubMed 9536098 (cited by Labcorp Genetics (formerly Invitae), Labcorp).